The following is an entry in ClinVar:

ClinVar aggregate classification (germline): Conflicting classifications of pathogenicity. Review status: criteria provided, conflicting classifications (1 of 4 stars). 4 submissions from 4 submitters: Uncertain significance (3); Likely benign (1). Last evaluated 2025-11-03.

Conditions:
ATM-related cancer predisposition. Also called: ATM-related cancer susceptibility. Identifiers: MedGen CN377759, MONDO:0700270.
Ataxia-telangiectasia syndrome (AT). Also called: Cerebello-oculocutaneous telangiectasia; Immunodeficiency with ataxia telangiectasia; Ataxia telangiectasia (A-T); Ataxia-telangiectasia, complementation group D; AT, COMPLEMENTATION GROUP C; ATAXIA-TELANGIECTASIA, COMPLEMENTATION GROUP A. Identifiers: Orphanet 100, MedGen C0004135, MONDO:0008840, OMIM 208900.
Hereditary cancer-predisposing syndrome. Also called: Neoplastic Syndromes, Hereditary; Hereditary neoplastic syndrome; Tumor predisposition; Hereditary Cancer Syndrome. Identifiers: Orphanet 140162, MedGen C0027672, MeSH D009386, MONDO:0015356.

Allele frequency attached by ClinVar (database versions not stated): TOPMed 0.00001; gnomAD 0.00001.
gnomAD v4.1: 1 of 1,613,694 alleles (0.000062%); highest among the groups gnomAD compares: Admixed American, 0.0017%; no homozygotes.

Submissions (4):

Color Diagnostics, LLC DBA Color Health
Classification: Uncertain significance for Hereditary cancer-predisposing syndrome. Last evaluated: 2025-11-03. Review status: criteria provided, single submitter. Criteria: ACMG Guidelines, 2015. Collection method: clinical testing. Allele origin: germline.
Comment: This missense variant replaces serine with glycine at codon 1358 of the ATM protein. Computational prediction suggests that this variant may not impact protein structure and function. To our knowledge, functional studies have not been reported for this variant. This variant has not been reported in individuals affected with ATM-related disorders in the literature. This variant has not been identified in the general population by the Genome Aggregation Database (gnomAD). The available evidence is insufficient to determine the role of this variant in disease conclusively. Therefore, this variant is classified as a Variant of Uncertain Significance.

Labcorp Genetics (formerly Invitae), Labcorp
Classification: Uncertain significance for Ataxia-telangiectasia syndrome. Last evaluated: 2025-07-31. Review status: criteria provided, single submitter. Criteria: Invitae Variant Classification Sherloc (09022015). Collection method: clinical testing. Allele origin: germline.
Comment: This sequence change replaces serine, which is neutral and polar, with glycine, which is neutral and non-polar, at codon 1358 of the ATM protein (p.Ser1358Gly). This variant is not present in population databases (gnomAD no frequency). This variant has not been reported in the literature in individuals affected with ATM-related conditions. ClinVar contains an entry for this variant (Variation ID: 649415). Invitae Evidence Modeling of protein sequence and biophysical properties (such as structural, functional, and spatial information, amino acid conservation, physicochemical variation, residue mobility, and thermodynamic stability) indicates that this missense variant is not expected to disrupt ATM protein function with a negative predictive value of 95%. In summary, the available evidence is currently insufficient to determine the role of this variant in disease. Therefore, it has been classified as a Variant of Uncertain Significance.

Department of Pathology and Laboratory Medicine, Sinai Health System
Classification: Uncertain significance for ATM-related cancer predisposition. Last evaluated: 2024-09-19. Review status: criteria provided, single submitter. Criteria: ACMG Guidelines, 2015. Collection method: clinical testing. Allele origin: germline.

Ambry Genetics
Classification: Likely benign for Hereditary cancer-predisposing syndrome. Last evaluated: 2022-10-27. Review status: criteria provided, single submitter. Criteria: Ambry Variant Classification Scheme 2023. Collection method: clinical testing. Allele origin: germline.

NM_000051.4(ATM):c.4072A>G (p.Ser1358Gly)

Gene: ATM (ATM serine/threonine kinase; plus strand). Cytogenetic location: 11q22.3.
Variant type: single nucleotide variant.
Coding change: c.4072A>G on transcript NM_000051.4 (MANE Select); coding-DNA position 4072, A replaced by G.
Protein change: p.Ser1358Gly; replaces serine 1358 with glycine.
Molecular consequence: missense variant.
Genome position (GRCh38, 1-based): chr11:108,287,678, A>G. VCF-style: chr11-108287678-A-G. GRCh37 (hg19) VCF-style: chr11-108158405-A-G.
Other names: c.4072A>G, p.Ser1358Gly (NM_001351834.2); short protein forms S1358G.
Identifiers: ClinVar variation 649415 (VCV000649415.12), dbSNP rs1176020475, ClinGen allele CA382528208.